The following is an entry in ClinVar:

ClinVar aggregate classification (germline): Likely pathogenic (1 of 4 stars; one submission).

Conditions:
Hereditary spastic paraplegia 15 (SPG15). Also called: SPASTIC PARAPLEGIA 15, AUTOSOMAL RECESSIVE; KJELLIN SYNDROME; SPASTIC PARAPLEGIA AND RETINAL DEGENERATION. Identifiers: Orphanet 100996, MedGen C1849128, MONDO:0010044, OMIM 270700.

Submission:

Myriad Genetics, Inc.
Classification: Likely pathogenic for Hereditary spastic paraplegia 15. Last evaluated: 2022-03-02. Review status: criteria provided, single submitter. Criteria: Myriad Women's Health Autosomal Recessive and X-Linked Classification Criteria (2021). Collection method: clinical testing. Allele origin: unknown.
Comment: NM_015346.3(ZFYVE26):c.5762_5763insCGTC(R1923Gfs*4) is expected to be pathogenic in the context of spastic paraplegia type 15. This variant is predicted to lead to an abnormal or absent protein product due to the creation of a premature termination codon in ZFYVE26, a gene where loss-of-function variants are known to be pathogenic. Please note: this variant was assessed in the context of healthy population screening.

NM_015346.4(ZFYVE26):c.5762_5763insCGTC (p.Arg1923fs)

Gene: ZFYVE26 (zinc finger FYVE-type containing 26; minus strand). Cytogenetic location: 14q24.1.
Variant type: Insertion.
Coding change: c.5762_5763insCGTC on transcript NM_015346.4 (MANE Select); coding-DNA positions 5762 to 5763, CGTC inserted.
Protein change: p.Arg1923fs; shifts the reading frame from arginine 1923.
Molecular consequence: frameshift variant.
Genome position: GRCh38 VCF-style: chr14-67767731-C-CGACG. GRCh37 (hg19) VCF-style: chr14-68234448-C-CGACG.
Other names: short protein forms R1923fs.
Identifiers: ClinVar variation 1724901 (VCV001724901.2), dbSNP rs2502760140, ClinGen allele CA2580088659.